The following is an entry in ClinVar:

ClinVar aggregate classification (germline): Uncertain significance (1 of 4 stars; one submission).

Conditions:
Hereditary breast ovarian cancer syndrome. Also called: Hereditary breast and ovarian cancer syndrome; Hereditary breast and/or ovarian cancer syndrome; BRCA1- and BRCA2-Associated Hereditary Breast and Ovarian Cancer; Hereditary breast and ovarian cancer syndrome (HBOC); Hereditary breast and ovarian cancer; Breast and ovarian cancer. Identifiers: Orphanet 145, MedGen C0677776, MeSH D061325, MONDO:0003582. Disease mechanism: loss of function.

Submission:

Labcorp Genetics (formerly Invitae), Labcorp
Classification: Uncertain significance for Hereditary breast ovarian cancer syndrome. Last evaluated: 2023-05-18. Review status: criteria provided, single submitter. Criteria: Invitae Variant Classification Sherloc (09022015). Collection method: clinical testing. Allele origin: germline.
Comment: Advanced modeling of protein sequence and biophysical properties (such as structural, functional, and spatial information, amino acid conservation, physicochemical variation, residue mobility, and thermodynamic stability) performed at Invitae indicates that this missense variant is not expected to disrupt BRCA1 protein function. In summary, the available evidence is currently insufficient to determine the role of this variant in disease. Therefore, it has been classified as a Variant of Uncertain Significance. This variant has not been reported in the literature in individuals affected with BRCA1-related conditions. This variant is not present in population databases (gnomAD no frequency). This sequence change replaces asparagine, which is neutral and polar, with aspartic acid, which is acidic and polar, at codon 1029 of the BRCA1 protein (p.Asn1029Asp).

NM_007294.4(BRCA1):c.3085A>G (p.Asn1029Asp)

Gene: BRCA1 (BRCA1 DNA repair associated; minus strand). Cytogenetic location: 17q21.31.
Variant type: single nucleotide variant.
Coding change: c.3085A>G on transcript NM_007294.4 (MANE Select); coding-DNA position 3085, A replaced by G.
Protein change: p.Asn1029Asp; replaces asparagine 1029 with aspartic acid.
Molecular consequence: missense variant. On other transcripts: intron variant (137).
Genome position (GRCh38, 1-based): chr17:43,092,446, T>C on the plus strand (A>G on the coding strand, the complement: BRCA1 is on the minus strand). VCF-style: chr17-43092446-T-C. GRCh37 (hg19) VCF-style: chr17-41244463-T-C.
Other names: c.2872A>G, p.Asn958Asp (NM_001407571.1, NM_001407853.1, NM_001407894.1 and 9 more transcripts); c.3085A>G, p.Asn1029Asp (NM_001407581.1, NM_001407582.1, NM_001407583.1 and 30 more transcripts); c.3082A>G, p.Asn1028Asp (NM_001407587.1, NM_001407590.1, NM_001407591.1 and 22 more transcripts); c.3076A>G, p.Asn1026Asp (NM_001407646.1, NM_001407647.1); c.2962A>G, p.Asn988Asp (NM_001407648.1, NM_001407664.1, NM_001407665.1 and 19 more transcripts); c.2959A>G, p.Asn987Asp (NM_001407649.1, NM_001407670.1, NM_001407671.1 and 11 more transcripts); c.3007A>G, p.Asn1003Asp (NM_001407653.1, NM_001407654.1, NM_001407655.1 and 4 more transcripts); c.3004A>G, p.Asn1002Asp (NM_001407659.1, NM_001407660.1, NM_001407661.1 and 1 more transcripts); and 41 more; short protein forms N1003D, N918D, N961D, N982D, N1002D, N1026D, N941D, N981D.
Identifiers: ClinVar variation 2865390 (VCV002865390.3), dbSNP rs2154343242, ClinGen allele CA10595821.
Genomic context (GRCh38, chr17:43,092,446, plus strand): 5'-AACCTACTTCATTAATATTGCTTGAGCTGGCTTCTTTAAAAACATTTTCTCTAATGTTAT[T>C]ACGGCTAATTGTGCTCACTGTACTTGGAATGTTCTCATTTCCCATTTCTCTTTCAGGTGA-3'
Protein context (NP_009225.1, residues 1019-1039): IPSTVSTISR[Asn1029Asp]NIRENVFKEA